The following is an entry in ClinVar:

ClinVar aggregate classification (germline): Uncertain significance (1 of 4 stars; one submission).

Allele frequency attached by ClinVar (database versions not stated): gnomAD exomes below 0.00001.
gnomAD v4.1: 2 of 1,613,966 alleles (0.00012%); highest among the groups gnomAD compares: Non-Finnish European, 0.000085%; no homozygotes.

Submission:

Labcorp Genetics (formerly Invitae), Labcorp
Classification: Uncertain significance. Last evaluated: 2022-04-19. Review status: criteria provided, single submitter. Criteria: Invitae Variant Classification Sherloc (09022015). Collection method: clinical testing. Allele origin: germline.
Comment: This sequence change replaces methionine, which is neutral and non-polar, with valine, which is neutral and non-polar, at codon 2021 of the ADGRV1 protein (p.Met2021Val). This variant is not present in population databases (gnomAD no frequency). This variant has not been reported in the literature in individuals affected with ADGRV1-related conditions. Algorithms developed to predict the effect of missense changes on protein structure and function (SIFT, PolyPhen-2, Align-GVGD) all suggest that this variant is likely to be tolerated. In summary, the available evidence is currently insufficient to determine the role of this variant in disease. Therefore, it has been classified as a Variant of Uncertain Significance.

NM_032119.4(ADGRV1):c.6061A>G (p.Met2021Val)

Gene: ADGRV1 (adhesion G protein-coupled receptor V1; plus strand). Cytogenetic location: 5q14.3.
Variant type: single nucleotide variant.
Coding change: c.6061A>G on transcript NM_032119.4 (MANE Select); coding-DNA position 6061, A replaced by G.
Protein change: p.Met2021Val; replaces methionine 2021 with valine.
Molecular consequence: missense variant. On other transcripts: non-coding transcript variant (1).
Genome position (GRCh38, 1-based): chr5:90,683,982, A>G. VCF-style: chr5-90683982-A-G. GRCh37 (hg19) VCF-style: chr5-89979799-A-G.
Other names: short protein forms M2021V.
Identifiers: ClinVar variation 2124221 (VCV002124221.1), dbSNP rs2530824201, ClinGen allele CA360414043.